The following is an entry in ClinVar:

NM_006437.4(PARP4):c.5054C>T (p.Ser1685Phe)

Gene: PARP4 (poly(ADP-ribose) polymerase family member 4; minus strand). Cytogenetic location: 13q12.12.
Variant type: single nucleotide variant.
Coding change: c.5054C>T on transcript NM_006437.4 (MANE Select); coding-DNA position 5054, C replaced by T.
Protein change: p.Ser1685Phe; replaces serine 1685 with phenylalanine.
Molecular consequence: missense variant.
Genome position (GRCh38, 1-based): chr13:24,421,240, G>A on the plus strand (C>T on the coding strand, the complement: PARP4 is on the minus strand). VCF-style: chr13-24421240-G-A. GRCh37 (hg19) VCF-style: chr13-24995378-G-A.
Other names: short protein forms S1685F.
Identifiers: ClinVar variation 3388824 (VCV003388824.14).

ClinVar aggregate classification (germline): Uncertain significance (1 of 4 stars; one submission).

gnomAD v4.1: 54 of 1,346,192 alleles (0.004%); highest among the groups gnomAD compares: Middle Eastern, 0.43%; 1 homozygote.

Submission:

CeGaT Center for Human Genetics Tuebingen
Classification: Uncertain significance. Last evaluated: 2024-10-01. Review status: criteria provided, single submitter. Criteria: CeGaT Center For Human Genetics Tuebingen Variant Classification Criteria Version 2. Collection method: clinical testing. Allele origin: germline. Affected: yes. Observed: 1 variant allele.
Comment: PARP4: PM2, PP3